The following is an entry in ClinVar:

ClinVar aggregate classification (germline): Likely benign. Review status: criteria provided, multiple submitters, no conflicts (2 of 4 stars). 4 submissions from 4 submitters: Likely benign (3). 1 of the submissions does not count toward it. Last evaluated 2024-03-03.

Conditions:
OTOF-related disorder. Also called: OTOF-related condition.

Allele frequency attached by ClinVar (database versions not stated): gnomAD 0.00010; TOPMed 0.00018; ExAC 0.00034; 1000 Genomes Project 0.00040; 1000 Genomes Project 30x 0.00047.
gnomAD v4.1: 127 of 1,595,728 alleles (0.008%); highest among the groups gnomAD compares: Admixed American, 0.11%; no homozygotes.

Submissions (4):

Labcorp Genetics (formerly Invitae), Labcorp
Classification: Likely benign. Last evaluated: 2024-03-03. Review status: criteria provided, single submitter. Criteria: Invitae Variant Classification Sherloc (09022015). Collection method: clinical testing. Allele origin: germline.

Blueprint Genetics
Classification: Likely benign. Last evaluated: 2023-03-23. Review status: criteria provided, single submitter. Criteria: ACMG Guidelines, 2015. Collection method: clinical testing. Allele origin: germline.

GeneDx
Classification: Likely benign. Last evaluated: 2020-01-03. Review status: criteria provided, single submitter. Criteria: GeneDx Variant Classification Process June 2021. Collection method: clinical testing. Allele origin: germline. Affected: yes.

PreventionGenetics, part of Exact Sciences
Classification: Likely benign for OTOF-related condition. Last evaluated: 2019-10-28. Review status: no assertion criteria provided. Collection method: clinical testing. Allele origin: germline. Not counted in ClinVar's aggregate classification.
Comment: This variant is classified as likely benign based on ACMG/AMP sequence variant interpretation guidelines (Richards et al. 2015 PMID: 25741868, with internal and published modifications).

NM_194248.3(OTOF):c.234C>T (p.Ile78=)

Gene: OTOF (otoferlin; minus strand). Cytogenetic location: 2p23.3.
Variant type: single nucleotide variant.
Coding change: c.234C>T on transcript NM_194248.3 (MANE Select); coding-DNA position 234, C replaced by T.
Protein change: p.Ile78=; no amino-acid change (isoleucine 78 retained).
Molecular consequence: synonymous variant.
Genome position (GRCh38, 1-based): chr2:26,519,103, G>A on the plus strand (C>T on the coding strand, the complement: OTOF is on the minus strand). VCF-style: chr2-26519103-G-A. GRCh37 (hg19) VCF-style: chr2-26741971-G-A.
Other names: c.234C>T, p.Ile78= (NM_001287489.2).
Identifiers: ClinVar variation 682350 (VCV000682350.13), dbSNP rs201753818, ClinGen allele CA1564739.